The following is an entry in ClinVar:

ClinVar aggregate classification (germline): Conflicting classifications of pathogenicity. Review status: criteria provided, conflicting classifications (1 of 4 stars). 8 submissions from 8 submitters: Uncertain significance (7); Likely benign (1). Last evaluated 2026-01-13.

Conditions:
Facial dysmorphism-immunodeficiency-livedo-short stature syndrome. Also called: Facial dysmorphism, immunodeficiency, livedo, and short stature; FILS syndrome. Identifiers: Orphanet 352712, MedGen C3554576, MONDO:0014058, OMIM 615139.
Intrauterine growth retardation, metaphyseal dysplasia, adrenal hypoplasia congenita, genital anomalies, and immunodeficiency. Also called: IMAGEI SYNDROME. Identifiers: MedGen C5193036, MONDO:0032684, OMIM 618336.
Colorectal cancer, susceptibility to, 12 (CRCS12). Also called: COLORECTAL CANCER, SUSCEPTIBILITY TO, ON CHROMOSOME 12q24. Identifiers: Orphanet 220460, MedGen C3554460, MONDO:0014038, OMIM 615083.
Hereditary cancer-predisposing syndrome. Also called: Neoplastic Syndromes, Hereditary; Tumor predisposition; Hereditary Cancer Syndrome; Hereditary neoplastic syndrome. Identifiers: Orphanet 140162, MedGen C0027672, MeSH D009386, MONDO:0015356.
Hereditary cancer. Identifiers: MedGen C1333600.

Allele frequency attached by ClinVar (database versions not stated): gnomAD exomes 0.00002 and 0.00008; gnomAD 0.00004; ExAC 0.00009; TOPMed 0.00011.

Submissions (8):

Labcorp Genetics (formerly Invitae), Labcorp
Classification: Uncertain significance. Last evaluated: 2026-01-13. Review status: criteria provided, single submitter. Criteria: Invitae Variant Classification Sherloc (09022015). Collection method: clinical testing. Allele origin: germline.
Comment: This sequence change replaces arginine, which is basic and polar, with glutamine, which is neutral and polar, at codon 1436 of the POLE protein (p.Arg1436Gln). This variant is present in population databases (rs754518522, gnomAD 0.02%). This variant has not been reported in the literature in individuals affected with POLE-related conditions. ClinVar contains an entry for this variant (Variation ID: 473660). Invitae Evidence Modeling of protein sequence and biophysical properties (such as structural, functional, and spatial information, amino acid conservation, physicochemical variation, residue mobility, and thermodynamic stability) has been performed for this missense variant. However, the output from this modeling did not meet the statistical confidence thresholds required to predict the impact of this variant on POLE protein function. RNA analysis performed to evaluate the impact of this missense change on mRNA splicing indicates it does not significantly alter splicing (internal data). In summary, the available evidence is currently insufficient to determine the role of this variant in disease. Therefore, it has been classified as a Variant of Uncertain Significance.

GeneDx
Classification: Uncertain significance. Last evaluated: 2025-05-06. Review status: criteria provided, single submitter. Criteria: GeneDx Variant Classification Process June 2021. Collection method: clinical testing. Allele origin: germline. Affected: yes.
Comment: In silico analysis supports that this missense variant has a deleterious effect on protein structure/function; In silico analysis supports a deleterious effect on splicing; This variant is associated with the following publications: (PMID: 28481359, 32522261)

Ambry Genetics
Classification: Uncertain significance for Hereditary cancer-predisposing syndrome. Last evaluated: 2024-08-29. Review status: criteria provided, single submitter. Criteria: Ambry Variant Classification Scheme 2023. Collection method: clinical testing. Allele origin: germline.
Comment: The p.R1436Q variant (also known as c.4307G>A), located in coding exon 34 of the POLE gene, results from a G to A substitution at nucleotide position 4307. The arginine at codon 1436 is replaced by glutamine, an amino acid with highly similar properties. In addition, the in silico prediction for this alteration is inconclusive. Based on the available evidence, the clinical significance of this variant remains unclear.

Mendelics
Classification: Likely benign for Hereditary cancer. Last evaluated: 2024-01-23. Review status: criteria provided, single submitter. Criteria: ACMG Guidelines, 2015. Collection method: clinical testing. Allele origin: unknown.

Fulgent Genetics
Classification: Uncertain significance for Colorectal cancer, susceptibility to, 12; Facial dysmorphism-immunodeficiency-livedo-short stature syndrome; Intrauterine growth retardation, metaphyseal dysplasia, adrenal hypoplasia congenita, genital anomalies, and immunodeficiency. Last evaluated: 2024-01-19. Review status: criteria provided, single submitter. Criteria: ACMG Guidelines, 2015. Collection method: clinical testing. Allele origin: germline.

Department of Pathology and Laboratory Medicine, Sinai Health System
Classification: Uncertain significance for Colorectal cancer, susceptibility to, 12; Facial dysmorphism-immunodeficiency-livedo-short stature syndrome; Intrauterine growth retardation, metaphyseal dysplasia, adrenal hypoplasia congenita, genital anomalies, and immunodeficiency. Last evaluated: 2023-02-01. Review status: criteria provided, single submitter. Criteria: ACMG Guidelines, 2015. Collection method: research. Allele origin: germline.

St. Jude Molecular Pathology, St. Jude Children's Research Hospital
Classification: Uncertain significance for Colorectal cancer, susceptibility to, 12. Last evaluated: 2021-07-29. Review status: criteria provided, single submitter. Criteria: St. Jude Assertion Criteria 2020. Collection method: clinical testing. Allele origin: germline.
Comment: The POLE c.4307G>A (p.Arg1436Gln) missense change has a maximum subpopulation frequency of 0.020% in gnomAD v2.1.1. Five of seven in silico tools predict a deleterious effect of this variant on protein function (PP3), but to our knowledge these predictions have not been confirmed by functional assays. In summary, this variant meets criteria to be classified as of uncertain significance based on the ACMG/AMP criteria: PP3.

Quest Diagnostics Nichols Institute San Juan Capistrano
Classification: Uncertain significance. Last evaluated: 2019-04-18. Review status: criteria provided, single submitter. Criteria: Quest Diagnostics criteria. Collection method: clinical testing. Allele origin: germline.

NM_006231.4(POLE):c.4307G>A (p.Arg1436Gln)

Gene: POLE (DNA polymerase epsilon, catalytic subunit; minus strand). Cytogenetic location: 12q24.33.
Variant type: single nucleotide variant.
Coding change: c.4307G>A on transcript NM_006231.4 (MANE Select); coding-DNA position 4307, G replaced by A.
Protein change: p.Arg1436Gln; replaces arginine 1436 with glutamine.
Molecular consequence: missense variant.
Genome position (GRCh38, 1-based): chr12:132,643,544, C>T on the plus strand (G>A on the coding strand, the complement: POLE is on the minus strand). VCF-style: chr12-132643544-C-T. GRCh37 (hg19) VCF-style: chr12-133220130-C-T.
Other names: short protein forms R1436Q.
Identifiers: ClinVar variation 473660 (VCV000473660.24), dbSNP rs754518522, ClinGen allele CA6892885.